The following is an entry in ClinVar:

ClinVar aggregate classification (germline): Uncertain significance (1 of 4 stars; one submission).

Allele frequency attached by ClinVar (database versions not stated): gnomAD exomes below 0.00001; gnomAD 0.00001; TOPMed 0.00001.

Submission:

GeneDx
Classification: Uncertain significance. Last evaluated: 2023-01-20. Review status: criteria provided, single submitter. Criteria: GeneDx Variant Classification Process June 2021. Collection method: clinical testing. Allele origin: germline. Affected: yes.
Comment: Not observed at significant frequency in large population cohorts (gnomAD); In silico analysis supports that this missense variant does not alter protein structure/function; Has not been previously published as pathogenic or benign to our knowledge

NM_001372066.1(TFAP2A):c.1285A>G (p.Lys429Glu)

Gene: TFAP2A (transcription factor AP-2 alpha; minus strand). Cytogenetic location: 6p24.3.
Variant type: single nucleotide variant.
Coding change: c.1285A>G on transcript NM_001372066.1 (MANE Select); coding-DNA position 1285, A replaced by G.
Protein change: p.Lys429Glu; replaces lysine 429 with glutamic acid.
Molecular consequence: missense variant.
Genome position (GRCh38, 1-based): chr6:10,398,452, T>C on the plus strand (A>G on the coding strand, the complement: TFAP2A is on the minus strand). VCF-style: chr6-10398452-T-C. GRCh37 (hg19) VCF-style: chr6-10398685-T-C.
Other names: NM_003220.2:c.1279A>G; c.1261A>G, p.Lys421Glu (NM_001032280.3); c.1267A>G, p.Lys423Glu (NM_001042425.3); short protein forms K429E, K421E, K423E.
Identifiers: ClinVar variation 2136141 (VCV002136141.1), dbSNP rs1761875652, ClinGen allele CA362698924.